The following is an entry in ClinVar:

NM_139343.3(BIN1):c.1003-296del

Gene: BIN1 (bridging integrator 1; minus strand). Cytogenetic location: 2q14.3.
Variant type: Deletion.
Coding change: c.1003-296del on transcript NM_139343.3 (MANE Select); 296 bases into the intron before coding-DNA position 1003, one base deleted (T; older notation c.1003-296delT).
Molecular consequence: intron variant.
Genome position (GRCh38, 1-based): chr2:127,057,897, A deleted on the plus strand (T on the coding strand, the reverse complement: BIN1 is on the minus strand); the first of 2 consecutive A bases (chr2:127,057,897-127,057,898); deleting either gives the same sequence. VCF-style (leftmost placement, unchanged base first): chr2-127057896-GA-G. GRCh37 (hg19) VCF-style: chr2-127815472-GA-G.
Other names: c.922-296del (NM_001320642.1); c.837+1114del (NM_001320634.1); c.909+1114del (NM_139351.3, NM_139350.3, NM_139349.3); c.910-296del (NM_139348.3, NM_139347.3, NM_001320641.2); c.954+1114del (NM_001320632.2, NM_004305.4); c.955-296del (NM_139346.3); c.1002+1114del (NM_001320633.2, NM_139345.3, NM_139344.3); c.1003-296del (NM_001320640.2).
Identifiers: ClinVar variation 668024 (VCV000668024.1), dbSNP rs11289928, ClinGen allele CA55344298.
Genomic context (GRCh38, chr2:127,057,896, plus strand): 5'-CTGTGTGGAGAGAGAAGAGATAGAGAAGTGAGGGGAGAGGAGGAAGGAGAGCGAAGAAGA[GA>G]AGAGGCCCCAGGCTGCCCACTGGCCAACTGTGGGAGGGGCTGGCTCCCACTGGCCTGGTG-3'

ClinVar aggregate classification (germline): Benign (1 of 4 stars; one submission).

Submission:

GeneDx
Classification: Benign. Last evaluated: 2018-06-18. Review status: criteria provided, single submitter. Criteria: GeneDx Variant Classification (06012015). Collection method: clinical testing. Allele origin: germline. Affected: yes.
Comment: This variant is considered likely benign or benign based on one or more of the following criteria: it is a conservative change, it occurs at a poorly conserved position in the protein, it is predicted to be benign by multiple in silico algorithms, and/or has population frequency not consistent with disease.